The following is an entry in ClinVar:

NM_002298.5(LCP1):c.1254-1G>A

Gene: LCP1 (lymphocyte cytosolic protein 1; minus strand). Cytogenetic location: 13q14.13.
Variant type: single nucleotide variant.
Coding change: c.1254-1G>A on transcript NM_002298.5 (MANE Select); the canonical splice acceptor site of the intron before coding-DNA position 1254, G replaced by A.
Molecular consequence: splice acceptor variant.
Genome position (GRCh38, 1-based): chr13:46,143,405, C>T on the plus strand (G>A on the coding strand, the complement: LCP1 is on the minus strand). VCF-style: chr13-46143405-C-T. GRCh37 (hg19) VCF-style: chr13-46717540-C-T.
Identifiers: ClinVar variation 5043405 (VCV005043405.1).
Genomic context (GRCh38, chr13:46,143,405, plus strand): 5'-TCAACAGGAACTTTGATCTTTTCATAGAGCTGGAAGATGACCAGGGCATCTGATAAGTCA[C>T]TGAACAAAACAAACACAAAAGGATTCTCAGATATCCAACATTTATTCAGGGCCTACAATG-3'

ClinVar aggregate classification (germline): Uncertain significance (1 of 4 stars; one submission).

Conditions:
Persistently decreased total neutrophil count. Also called: Chronic neutropenia. Identifiers: MedGen C0746882, HP:0410252.
Decreased total lymphocyte count. Also called: Lymphopenia. Identifiers: MedGen C0024312, MONDO:0003783, HP:0001888.
Thrombocytopenia. Identifiers: MedGen C0040034, MeSH D013921, MONDO:0002049, HP:0001873.

gnomAD v4.1: 1 of 1,599,838 alleles (0.000063%); highest among the groups gnomAD compares: African/African-American, 0.0013%; no homozygotes.

Submission:

St. Jude Molecular Pathology, St. Jude Children's Research Hospital
Classification: Uncertain significance for Decreased total lymphocyte count; Persistently decreased total neutrophil count; Thrombocytopenia. Last evaluated: 2026-10-01. Review status: criteria provided, single submitter. Criteria: St. Jude Assertion Criteria 2020. Collection method: clinical testing. Allele origin: germline.
Comment: The LCP1 c.1254-1G>A intronic change results in a G to A substitution at the -1 position of i ntron 11 of the LCP1 gene. This variant is predicted to result in aberrant splicing however the functional significance of this change is currently unknown. This variant is absent in gnomAD v2.1.1. In summary, the evidence currently available is insufficient to determine the clinical significance of this variant. It has therefore been classified as of uncertain significance.